The following is an entry in ClinVar:

ClinVar aggregate classification (germline): Uncertain significance (1 of 4 stars; one submission).

Submission:

GeneDx
Classification: Uncertain significance. Last evaluated: 2022-04-22. Review status: criteria provided, single submitter. Criteria: GeneDx Variant Classification Process June 2021. Collection method: clinical testing. Allele origin: germline. Affected: yes.
Comment: Not observed at significant frequency in large population cohorts (gnomAD); In silico analysis supports that this missense variant has a deleterious effect on protein structure/function; Has not been previously published as pathogenic or benign to our knowledge

NM_000944.5(PPP3CA):c.755C>G (p.Thr252Arg)

Gene: PPP3CA (protein phosphatase 3 catalytic subunit alpha; minus strand). Cytogenetic location: 4q24.
Variant type: single nucleotide variant.
Coding change: c.755C>G on transcript NM_000944.5 (MANE Select); coding-DNA position 755, C replaced by G.
Protein change: p.Thr252Arg; replaces threonine 252 with arginine.
Molecular consequence: missense variant.
Genome position (GRCh38, 1-based): chr4:101,093,803, G>C on the plus strand (C>G on the coding strand, the complement: PPP3CA is on the minus strand). VCF-style: chr4-101093803-G-C. GRCh37 (hg19) VCF-style: chr4-102014960-G-C.
Other names: c.755C>G, p.Thr252Arg (NM_001130691.2, NM_001130692.2); short protein forms T252R.
Identifiers: ClinVar variation 1712072 (VCV001712072.2), dbSNP rs2475915735, ClinGen allele CA357949130.
Genomic context (GRCh38, chr4:101,093,803, plus strand): 5'-ACGTGTTCCAGAGAGCAAGTTCTCTATTCTTACCTGTAGAAGTATGAACACCCCCTGACT[G>C]TGTTGTGAGTGAAATGTTCCTGAGTCTTCTCATTTCCAAAATCTTCCAGGGGGTCTGACC-3'
Protein context (NP_000935.1, residues 242-262): EKTQEHFTHN[Thr252Arg]VRGCSYFYSY